The following is an entry in ClinVar:

NM_001754.5(RUNX1):c.1131C>T (p.Tyr377=)

Gene: RUNX1 (RUNX family transcription factor 1; minus strand). Cytogenetic location: 21q22.12.
Variant type: single nucleotide variant.
Coding change: c.1131C>T on transcript NM_001754.5 (MANE Select); coding-DNA position 1131, C replaced by T.
Protein change: p.Tyr377=; no amino-acid change (tyrosine 377 retained).
Molecular consequence: synonymous variant.
Genome position (GRCh38, 1-based): chr21:34,792,447, G>A on the plus strand (C>T on the coding strand, the complement: RUNX1 is on the minus strand). VCF-style: chr21-34792447-G-A. GRCh37 (hg19) VCF-style: chr21-36164744-G-A.
Other names: NM_001754.5(RUNX1):c.1131C>T; p.Tyr377=; c.1050C>T, p.Tyr350= (NM_001001890.3).
Identifiers: ClinVar variation 2755227 (VCV002755227.7), dbSNP rs2145876377, ClinGen allele CA512341284.
Genomic context (GRCh38, chr21:34,792,447, plus strand): 5'-TTGGAACGGGCCTCCCTGCGCTTGCGACGAGCCGGGGTAGGGCGGCGGCAGGTAGGTGTG[G>A]TAGCGCGTGGCCGAGCCCATGGCCGACATGCCGATGCCGATGCCCGAGGTGACCGGCGTC-3'
Protein context (NP_001745.2, residues 367-387): GMSAMGSATR[Tyr377=]HTYLPPPYPG

ClinVar aggregate classification (germline): Likely benign. Review status: reviewed by expert panel (3 of 4 stars). 3 submissions from 3 submitters: Likely benign (1). 2 of the submissions do not count toward it. Last evaluated 2026-04-29.

Conditions:
Inborn genetic diseases. Identifiers: MedGen C0950123, MeSH D030342.
Hereditary thrombocytopenia and hematological cancer predisposition syndrome associated with RUNX1. Also called: Familial Platelet Disorder with Propensity to Acute Myelogenous Leukemia; Familial thrombocytopenia with propensity to acute myelogenous leukemia; PLATELET DISORDER, ASPIRIN-LIKE; RUNX1 Familial Platelet Disorder with Associated Myeloid Malignancies. Identifiers: Orphanet 71290, MedGen C1832388, MeSH C563324, MONDO:0100083, OMIM 601399.
Hereditary thrombocytopenia and hematologic cancer predisposition syndrome. Identifiers: Orphanet 71290, MedGen CN281654, MONDO:0011071.

Submissions (3):

ClinGen Myeloid Malignancy Variant Curation Expert Panel
Classification: Likely benign for Hereditary thrombocytopenia and hematologic cancer predisposition syndrome. Last evaluated: 2026-04-29. Review status: reviewed by expert panel. Criteria: ClinGen MyeloMalig ACMG Specifications V3.1. Collection method: curation. Allele origin: germline. Inheritance: Autosomal dominant inheritance.
Comment: NM_001754.5(RUNX1):c.1131C>T (p.Tyr377=) is a synonymous variant which has a SpliceAI score ≤ 0.20 (0.0) (BP4, BP7). This variant is completely absent from all population databases with at least 20x coverage for RUNX1 (PM2_supporting). In summary, this variant meets criteria to be classified as likely benign. ACMG/AMP criteria applied, as specified by the Myeloid Malignancy Variant Curation Expert Panel for RUNX1: BP4, BP7, PM2_supporting.

Ambry Genetics
Classification: Likely benign for Inborn genetic diseases. Last evaluated: 2026-03-04. Review status: criteria provided, single submitter. Criteria: Ambry Variant Classification Scheme 2023. Collection method: clinical testing. Allele origin: germline. Not counted in ClinVar's aggregate classification.

Labcorp Genetics (formerly Invitae), Labcorp
Classification: Likely benign for Hereditary thrombocytopenia and hematological cancer predisposition syndrome associated with RUNX1. Last evaluated: 2023-05-12. Review status: criteria provided, single submitter. Criteria: Invitae Variant Classification Sherloc (09022015). Collection method: clinical testing. Allele origin: germline. Not counted in ClinVar's aggregate classification.